The following is an entry in ClinVar:

ClinVar aggregate classification (germline): Uncertain significance (1 of 4 stars; one submission).

Conditions:
Imerslund-Grasbeck syndrome. Also called: PERNICIOUS ANEMIA, JUVENILE, DUE TO SELECTIVE INTESTINAL MALABSORPTION OF VITAMIN B12, WITH PROTEINURIA; Imerslund-Gräsbeck syndrome; Megaloblastic anemia due to inborn errors of metabolism; ENTEROCYTE COBALAMIN MALABSORPTION; ENTEROCYTE INTRINSIC FACTOR RECEPTOR, DEFECT OF. Identifiers: Orphanet 35858, MedGen C4551825, MONDO:0009853.

Submission:

Labcorp Genetics (formerly Invitae), Labcorp
Classification: Uncertain significance for Imerslund-Grasbeck syndrome. Last evaluated: 2020-03-03. Review status: criteria provided, single submitter. Criteria: Invitae Variant Classification Sherloc (09022015). Collection method: clinical testing. Allele origin: germline.
Comment: This sequence change replaces proline with alanine at codon 678 of the CUBN protein (p.Pro678Ala). The proline residue is highly conserved and there is a small physicochemical difference between proline and alanine. This variant is not present in population databases (ExAC no frequency). This variant has not been reported in the literature in individuals with CUBN-related conditions. Algorithms developed to predict the effect of missense changes on protein structure and function are either unavailable or do not agree on the potential impact of this missense change (SIFT: "Tolerated"; PolyPhen-2: "Probably Damaging"; Align-GVGD: "Class C0"). In summary, the available evidence is currently insufficient to determine the role of this variant in disease. Therefore, it has been classified as a Variant of Uncertain Significance.

NM_001081.4(CUBN):c.2032C>G (p.Pro678Ala)

Gene: CUBN (cubilin; minus strand). Cytogenetic location: 10p13.
Variant type: single nucleotide variant.
Coding change: c.2032C>G on transcript NM_001081.4 (MANE Select); coding-DNA position 2032, C replaced by G.
Protein change: p.Pro678Ala; replaces proline 678 with alanine.
Molecular consequence: missense variant.
Genome position (GRCh38, 1-based): chr10:17,085,675, G>C on the plus strand (C>G on the coding strand, the complement: CUBN is on the minus strand). VCF-style: chr10-17085675-G-C. GRCh37 (hg19) VCF-style: chr10-17127674-G-C.
Other names: short protein forms P678A.
Identifiers: ClinVar variation 1005489 (VCV001005489.9), dbSNP rs1348130743, ClinGen allele CA376149712.